The following is an entry in ClinVar:

ClinVar aggregate classification (germline): Uncertain significance (1 of 4 stars; one submission).

Conditions:
Fanconi anemia (FA). Also called: Fanconi's anemia. Identifiers: Orphanet 84, MedGen C0015625, MeSH D005199, MONDO:0019391.

Allele frequency attached by ClinVar (database versions not stated): TOPMed below 0.00001; gnomAD exomes 0.00001; ExAC 0.00002; gnomAD 0.00002.
gnomAD v4.1: 9 of 1,206,734 alleles (0.00075%); highest among the groups gnomAD compares: Non-Finnish European, 0.001%; no homozygotes.

Submission:

Labcorp Genetics (formerly Invitae), Labcorp
Classification: Uncertain significance for Fanconi anemia. Last evaluated: 2022-10-13. Review status: criteria provided, single submitter. Criteria: Invitae Variant Classification Sherloc (09022015). Collection method: clinical testing. Allele origin: germline.
Comment: This sequence change replaces threonine, which is neutral and polar, with alanine, which is neutral and non-polar, at codon 839 of the FANCB protein (p.Thr839Ala). The frequency data for this variant in the population databases is considered unreliable, as metrics indicate poor data quality at this position in the gnomAD database. This variant has not been reported in the literature in individuals affected with FANCB-related conditions. Advanced modeling of protein sequence and biophysical properties (such as structural, functional, and spatial information, amino acid conservation, physicochemical variation, residue mobility, and thermodynamic stability) performed at Invitae indicates that this missense variant is not expected to disrupt FANCB protein function. In summary, the available evidence is currently insufficient to determine the role of this variant in disease. Therefore, it has been classified as a Variant of Uncertain Significance.

NM_001018113.3(FANCB):c.2515A>G (p.Thr839Ala)

Gene: FANCB (FA complementation group B; minus strand). Cytogenetic location: Xp22.2.
Variant type: single nucleotide variant.
Coding change: c.2515A>G on transcript NM_001018113.3 (MANE Select); coding-DNA position 2515, A replaced by G.
Protein change: p.Thr839Ala; replaces threonine 839 with alanine.
Molecular consequence: missense variant.
Genome position (GRCh38, 1-based): chrX:14,843,632, T>C on the plus strand (A>G on the coding strand, the complement: FANCB is on the minus strand). VCF-style: chrX-14843632-T-C. GRCh37 (hg19) VCF-style: chrX-14861754-T-C.
Other names: c.2515A>G, p.Thr839Ala (NM_001324162.2, NM_152633.4); short protein forms T839A.
Identifiers: ClinVar variation 2167547 (VCV002167547.1), dbSNP rs763963394, ClinGen allele CA10352906.